The following is an entry in ClinVar:

NM_000530.8(MPZ):c.371C>T (p.Thr124Met)

Gene: MPZ (myelin protein zero; minus strand). Cytogenetic location: 1q23.3.
Variant type: single nucleotide variant.
Coding change: c.371C>T on transcript NM_000530.8 (MANE Select); coding-DNA position 371, C replaced by T.
Protein change: p.Thr124Met; replaces threonine 124 with methionine.
Molecular consequence: missense variant.
Genome position (GRCh38, 1-based): chr1:161,306,785, G>A on the plus strand (C>T on the coding strand, the complement: MPZ is on the minus strand). VCF-style: chr1-161306785-G-A. GRCh37 (hg19) VCF-style: chr1-161276575-G-A.
Other names: c.371C>T, p.Thr124Met (NM_001315491.2, LRG_256t1); short protein forms T124M.
Identifiers: ClinVar variation 14181 (VCV000014181.64), dbSNP rs121913595, ClinGen allele CA257158.

ClinVar aggregate classification (germline): Pathogenic. Review status: criteria provided, multiple submitters, no conflicts (2 of 4 stars). 16 submissions from 15 submitters: Pathogenic (10). 6 of the submissions do not count toward it. Last evaluated 2025-08-04.

Conditions:
MPZ-related disorder. Also called: MPZ-related condition; MPZ-related disorders.
Distal hereditary motor neuropathy type 2. Identifiers: Orphanet 139525, MedGen C3711384, MeSH C580044, MONDO:0015352.
Charcot-Marie-Tooth disease. Also called: Charcot-Marie-Tooth Neuropathy; Charcot-Marie-Tooth Hereditary Neuropathy. Identifiers: Orphanet 166, MedGen C0007959, MONDO:0015626.
Charcot-Marie-Tooth disease type 4E (CHN1). Also called: HYPOMYELINATION, SEVERE CONGENITAL; CHARCOT-MARIE-TOOTH DISEASE, DEMYELINATING, TYPE 4E; Congenital Hypomyelination; Hypomyelinating neuropathy, congenital, 1; Congenital hypomyelinating neuropathy 1, autosomal recessive. Identifiers: Orphanet 99951, MedGen C4721436, MONDO:0011527, OMIM 605253.
Charcot-Marie-Tooth disease type 1B. Also called: HEREDITARY MOTOR AND SENSORY NEUROPATHY I; HEREDITARY MOTOR AND SENSORY NEUROPATHY IB; CHARCOT-MARIE-TOOTH DISEASE, AUTOSOMAL DOMINANT, WITH FOCALLY FOLDED MYELIN SHEATHS, TYPE 1B; CHARCOT-MARIE-TOOTH DISEASE, SLOW NERVE CONDUCTION TYPE, LINKED TO DUFFY; CHARCOT-MARIE-TOOTH NEUROPATHY, TYPE 1B; Charcot-Marie-Tooth disease, demyelinating, type 1b. Identifiers: Orphanet 101082, MedGen C0270912, MONDO:0007307, OMIM 118200.
Charcot-Marie-Tooth disease type 2I (CMT2I). Also called: CHARCOT-MARIE-TOOTH DISEASE, AXONAL, TYPE 2I. Identifiers: Orphanet 99942, MedGen C3888087, MONDO:0011889, OMIM 607677.
Charcot-Marie-Tooth disease type 2J (CMT2J). Also called: CHARCOT-MARIE-TOOTH DISEASE, TYPE 2, WITH HEARING LOSS AND PUPILLARY ABNORMALITIES; CHARCOT-MARIE-TOOTH NEUROPATHY, TYPE 2J; CHARCOT-MARIE-TOOTH DISEASE, AXONAL, TYPE 2J. Identifiers: Orphanet 99943, MedGen C1843153, MONDO:0011903, OMIM 607736.
Roussy-Lévy syndrome. Also called: Roussy-Levy Syndrome; Roussy Levy hereditary areflexic dystasia; Roussy-Levy disease; Hereditary areflexic dystasia. Identifiers: Orphanet 3115, MedGen C0205713, MONDO:0008392, OMIM 180800.
Charcot-Marie-Tooth disease dominant intermediate D. Also called: CHARCOT-MARIE-TOOTH NEUROPATHY, DOMINANT INTERMEDIATE D; Charcot-Marie-Tooth disease dominant intermediate 3; CMT DI3. Identifiers: Orphanet 100046, MedGen C1843075, MONDO:0011909, OMIM 607791.
Dejerine-Sottas disease. Also called: HEREDITARY MOTOR AND SENSORY NEUROPATHY TYPE III; HMSN Type III; Charcot-Marie-Tooth disease type 3; DEJERINE-SOTTAS NEUROPATHY; Hereditary motor and sensory neuropathy 3. Identifiers: Orphanet 64748, MedGen C0011195, MONDO:0007790, OMIM 145900.
Inborn genetic diseases. Identifiers: MedGen C0950123, MeSH D030342.
Charcot-Marie-Tooth disease, type I (CMT1). Also called: Charcot-Marie-Tooth, Type 1; Charcot-Marie-Tooth disease type 1. Identifiers: Orphanet 65753, MedGen C0751036, MONDO:0019011.

gnomAD v4.1: 1 of 1,614,016 alleles (0.000062%); no homozygotes.

Submissions 1 to 9 of 16:

3billion
Classification: Pathogenic for MPZ-related disorder. Last evaluated: 2025-08-04. Review status: criteria provided, single submitter. Criteria: ACMG Guidelines, 2015. Collection method: clinical testing. Allele origin: germline. Affected: yes.
Comment: The variant is observed at an extremely low frequency in the gnomAD v4.1.0 dataset (total allele frequency: <0.001%). Predicted Consequence/Location: Missense variant In silico tool predictions suggest damaging effect of the variant on gene or gene product [REVEL: 0.69 (>=0.6, sensitivity 0.68 and specificity 0.92); 3Cnet: 1.00 (> 0.75, sensitivity 0.96 and precision 0.92)]. The same nucleotide change resulting in the same amino acid change has been previously reported as pathogenic/likely pathogenic with strong evidence (ClinVar ID: VCV000014181 /PMID: 9452091 /3billion dataset). The variant has been reported to co-segregate with the disease in at least 5 similarly affected relatives/individuals in the same family or similarly affected unrelated families (PMID: 19629567). Different missense changes at the same codon (p.Thr124Ala, p.Thr124Lys, p.Thr124Pro) have been reported to be associated with MPZ-related disorder (ClinVar ID: VCV000014196 /PMID: 15184631, 19293842, 29174527). Therefore, this variant is classified as Pathogenic according to the recommendation of ACMG/AMP guideline.

Labcorp Genetics (formerly Invitae), Labcorp
Classification: Pathogenic for Charcot-Marie-Tooth disease, type I. Last evaluated: 2025-08-02. Review status: criteria provided, single submitter. Criteria: Invitae Variant Classification Sherloc (09022015). Collection method: clinical testing. Allele origin: germline.
Comment: This sequence change replaces threonine, which is neutral and polar, with methionine, which is neutral and non-polar, at codon 124 of the MPZ protein (p.Thr124Met). This variant is not present in population databases (gnomAD no frequency). This missense change has been observed in individuals with Charcot-Marie-Tooth disease (PMID: 9452091, 10923043, 12207153, 12948789, 15159512, 16279991, 19629567, 25720167, 26234237). It has also been observed to segregate with disease in related individuals. Invitae Evidence Modeling of clinical and family history, age, sex, and reported ancestry of multiple individuals with this MPZ variant has been performed. This variant is expected to be pathogenic with a positive predictive value of at least 99%. This is a validated machine learning model that incorporates the clinical features of 13,236 individuals referred to our laboratory for MPZ testing. ClinVar contains an entry for this variant (Variation ID: 14181). Invitae Evidence Modeling of protein sequence and biophysical properties (such as structural, functional, and spatial information, amino acid conservation, physicochemical variation, residue mobility, and thermodynamic stability) indicates that this missense variant is expected to disrupt MPZ protein function with a positive predictive value of 80%. Experimental studies have shown that this missense change affects MPZ function (PMID: 18337304, 20461396). For these reasons, this variant has been classified as Pathogenic.

Athena Diagnostics
Classification: Pathogenic. Last evaluated: 2024-05-08. Review status: criteria provided, single submitter. Criteria: Athena Diagnostics Criteria. Collection method: clinical testing. Allele origin: unknown.
Comment: This variant has not been reported in large, multi-ethnic general populations. This variant has been identified in multiple unrelated individuals with clinical features associated with this gene. This variant segregates with disease in multiple families. Assessment of experimental evidence suggests this variant results in abnormal protein function. (PMID: 36350884) The variant is located in a region that is considered important for protein function and/or structure.

Blueprint Genetics
Classification: Pathogenic for MPZ-related disorders. Last evaluated: 2024-04-04. Review status: criteria provided, single submitter. Criteria: ACMG Guidelines, 2015. Collection method: clinical testing. Allele origin: germline. Affected: yes. Observed: 1 variant allele.

Ambry Genetics
Classification: Pathogenic for Inborn genetic diseases. Last evaluated: 2023-04-11. Review status: criteria provided, single submitter. Criteria: Ambry Variant Classification Scheme 2023. Collection method: clinical testing. Allele origin: germline.
Comment: The c.371C>T (p.T124M) alteration is located in exon 3 (coding exon 3) of the MPZ gene. This alteration results from a C to T substitution at nucleotide position 371, causing the threonine (T) at amino acid position 124 to be replaced by a methionine (M). This variant was not reported in population-based cohorts in the Genome Aggregation Database (gnomAD). This alteration was detected in the heterozygous state in multiple individuals with adult-onset neuropathy and cosegregates with disease in several families (Bisogni, 2022; Kim, 2021; Taniguchi, 2020; Hsu, 2019; Tokuda, 2015; Bergamin, 2014; Triggs, 2006; Kurihara, 2004; Baloh, 2004; Yoshihara, 2000; Misu, 2000; Senderek, 2000; De Jonghe, 1999; Chapon, 1999; Schiavon, 1998). This amino acid position is highly conserved in available vertebrate species. Multiple functional studies indicate that this alteration does not alter trafficking of MPZ to the plasma membrane, but disrupts MPZ glycosylation and may impair adhesion and myelin stability (Grandis, 2008; Lee, 2010; Bai, 2018; Shackleford, 2022). This alteration is predicted to be deleterious by in silico analysis. Based on the available evidence, this alteration is classified as pathogenic.

CeGaT Center for Human Genetics Tuebingen
Classification: Pathogenic. Last evaluated: 2022-07-01. Review status: criteria provided, single submitter. Criteria: CeGaT Center For Human Genetics Tuebingen Variant Classification Criteria Version 2. Collection method: clinical testing. Allele origin: germline. Affected: yes. Observed: 2 variant alleles.
Comment: MPZ: PM1, PM2, PP1:Moderate, PS3:Moderate, PS4:Moderate

GeneDx
Classification: Pathogenic. Last evaluated: 2022-06-29. Review status: criteria provided, single submitter. Criteria: GeneDx Variant Classification Process June 2021. Collection method: clinical testing. Allele origin: germline. Affected: yes.
Comment: Identified in multiple unrelated patients with Charcot-Marie-Tooth (Yoshihara et al., 2000; Gallardo et al., 2009; Liu et al., 2013; Bergamin et al., 2014); Published functional studies demonstrate a damaging effect (Grandis et al., 2008; Lee et al., 2010); Not observed at significant frequency in large population cohorts (gnomAD); In silico analysis supports that this missense variant has a deleterious effect on protein structure/function; Missense variants in this gene are often considered pathogenic (HGMD); This variant is associated with the following publications: (PMID: 15159512, 19928689, 24819634, 18563718, 18337304, 20461396, 19629567, 10835936, 9452091, 25720167, 26234237, 16279991, 24028194, 15377707, 10071056, 34210210, 33825325, 22820753, 20301384, 16775239, 12911457, 31827005, 30018047, 29516875, 10329755, 25802885, 29687021, 31211173, 12948789, 12207153, 10764043, 26310628, 10923043)

Mayo Clinic Laboratories, Mayo Clinic
Classification: Pathogenic. Last evaluated: 2021-08-19. Review status: criteria provided, single submitter. Criteria: ACMG Guidelines, 2015. Collection method: clinical testing. Allele origin: germline.
Comment: PP1, PM1, PM2, PS3_moderate, PS4

Institute of Human Genetics, University of Leipzig Medical Center
Classification: Pathogenic for Charcot-Marie-Tooth disease dominant intermediate D. Last evaluated: 2019-01-01. Review status: criteria provided, single submitter. Criteria: ACMG Guidelines, 2015. Collection method: clinical testing. Allele origin: unknown. Affected: yes.